The following is an entry in ClinVar:

ClinVar aggregate classification (germline): Uncertain significance. Review status: criteria provided, multiple submitters, no conflicts (2 of 4 stars). 2 submissions from 2 submitters: Uncertain significance (2). Last evaluated 2024-10-31.

Conditions:
Multiple endocrine neoplasia, type 2 (MEN2). Identifiers: Orphanet 653, MedGen C4048306, MONDO:0019003. Disease mechanism: gain of function.
Hereditary cancer-predisposing syndrome. Also called: Neoplastic Syndromes, Hereditary; Tumor predisposition; Hereditary Cancer Syndrome; Hereditary neoplastic syndrome. Identifiers: Orphanet 140162, MedGen C0027672, MeSH D009386, MONDO:0015356.

Submissions (2):

Labcorp Genetics (formerly Invitae), Labcorp
Classification: Uncertain significance for Multiple endocrine neoplasia, type 2. Last evaluated: 2024-10-31. Review status: criteria provided, single submitter. Criteria: Invitae Variant Classification Sherloc (09022015). Collection method: clinical testing. Allele origin: germline.
Comment: This sequence change replaces asparagine, which is neutral and polar, with threonine, which is neutral and polar, at codon 610 of the RET protein (p.Asn610Thr). This variant is not present in population databases (gnomAD no frequency). This variant has not been reported in the literature in individuals affected with RET-related conditions. ClinVar contains an entry for this variant (Variation ID: 1780894). An algorithm developed to predict the effect of missense changes on protein structure and function (PolyPhen-2) suggests that this variant is likely to be tolerated. In summary, the available evidence is currently insufficient to determine the role of this variant in disease. Therefore, it has been classified as a Variant of Uncertain Significance.

Ambry Genetics
Classification: Uncertain significance for Hereditary cancer-predisposing syndrome. Last evaluated: 2022-08-15. Review status: criteria provided, single submitter. Criteria: Ambry Variant Classification Scheme 2023. Collection method: clinical testing. Allele origin: germline.
Comment: The p.N610T variant (also known as c.1829A>C), located in coding exon 10 of the RET gene, results from an A to C substitution at nucleotide position 1829. The asparagine at codon 610 is replaced by threonine, an amino acid with similar properties. This amino acid position is conserved. In addition, the in silico prediction for this alteration is inconclusive. Since supporting evidence is limited at this time, the clinical significance of this alteration remains unclear.

NM_020975.6(RET):c.1829A>C (p.Asn610Thr)

Gene: RET (ret proto-oncogene; plus strand). Cytogenetic location: 10q11.21.
Variant type: single nucleotide variant.
Coding change: c.1829A>C on transcript NM_020975.6 (MANE Select); coding-DNA position 1829, A replaced by C.
Protein change: p.Asn610Thr; replaces asparagine 610 with threonine.
Molecular consequence: missense variant.
Genome position (GRCh38, 1-based): chr10:43,113,625, A>C. VCF-style: chr10-43113625-A-C. GRCh37 (hg19) VCF-style: chr10-43609073-A-C.
Other names: c.1829A>C, p.Asn610Thr (NM_000323.2, NM_001406743.1, NM_001406744.1 and 6 more transcripts); c.1067A>C, p.Asn356Thr (NM_001355216.2); c.1700A>C, p.Asn567Thr (NM_001406761.1, NM_001406762.1, NM_001406764.1 and 1 more transcripts); c.1541A>C, p.Asn514Thr (NM_001406766.1, NM_001406767.1, NM_001406770.1); c.1433A>C, p.Asn478Thr (NM_001406769.1, NM_001406772.1); c.1391A>C, p.Asn464Thr (NM_001406771.1, NM_001406773.1); c.1304A>C, p.Asn435Thr (NM_001406774.1); c.1103A>C, p.Asn368Thr (NM_001406775.1, NM_001406776.1, NM_001406777.1 and 1 more transcripts); and 5 more; short protein forms N127T, N368T, N464T, N478T, N610T, N311T, N356T, N567T.
Identifiers: ClinVar variation 1780894 (VCV001780894.4), dbSNP rs1837994115, ClinGen allele CA376552764.